The following is an entry in ClinVar:

NM_002618.4(PEX13):c.463T>C (p.Tyr155His)

Gene: PEX13 (peroxisomal biogenesis factor 13; plus strand). Cytogenetic location: 2p15.
Variant type: single nucleotide variant.
Coding change: c.463T>C on transcript NM_002618.4 (MANE Select); coding-DNA position 463, T replaced by C.
Protein change: p.Tyr155His; replaces tyrosine 155 with histidine.
Molecular consequence: missense variant.
Genome position (GRCh38, 1-based): chr2:61,031,789, T>C. VCF-style: chr2-61031789-T-C. GRCh37 (hg19) VCF-style: chr2-61258924-T-C.
Other names: short protein forms Y155H.
Identifiers: ClinVar variation 1483640 (VCV001483640.8), dbSNP rs2104803455, ClinGen allele CA346942857.

ClinVar aggregate classification (germline): Uncertain significance (1 of 4 stars; one submission).

Conditions:
Peroxisome biogenesis disorder 11A (Zellweger). Also called: Peroxisome biogenesis disorder 11A. Identifiers: Orphanet 912, MedGen C3554000, MONDO:0013949, OMIM 614883.

Submission:

Labcorp Genetics (formerly Invitae), Labcorp
Classification: Uncertain significance for Peroxisome biogenesis disorder 11A (Zellweger). Last evaluated: 2022-07-19. Review status: criteria provided, single submitter. Criteria: Invitae Variant Classification Sherloc (09022015). Collection method: clinical testing. Allele origin: germline.
Comment: Algorithms developed to predict the effect of missense changes on protein structure and function are either unavailable or do not agree on the potential impact of this missense change (SIFT: "Tolerated"; PolyPhen-2: "Possibly Damaging"; Align-GVGD: "Class C0"). ClinVar contains an entry for this variant (Variation ID: 1483640). This variant has not been reported in the literature in individuals affected with PEX13-related conditions. This variant is not present in population databases (gnomAD no frequency). This sequence change replaces tyrosine, which is neutral and polar, with histidine, which is basic and polar, at codon 155 of the PEX13 protein (p.Tyr155His). In summary, the available evidence is currently insufficient to determine the role of this variant in disease. Therefore, it has been classified as a Variant of Uncertain Significance.